The following is an entry in ClinVar:

ClinVar aggregate classification (germline): Likely benign (1 of 4 stars; one submission).

Submission:

CeGaT Center for Human Genetics Tuebingen
Classification: Likely benign. Last evaluated: 2024-01-01. Review status: criteria provided, single submitter. Criteria: CeGaT Center For Human Genetics Tuebingen Variant Classification Criteria Version 2. Collection method: clinical testing. Allele origin: germline. Affected: yes. Observed: 1 variant allele.
Comment: SETD1B: PM2:Supporting, BP4, BP7

NM_001353345.2(SETD1B):c.3153A>C (p.Ser1051=)

Gene: SETD1B (SET domain containing 1B, histone lysine methyltransferase; plus strand). Cytogenetic location: 12q24.31.
Variant type: single nucleotide variant.
Coding change: c.3153A>C on transcript NM_001353345.2 (MANE Select); coding-DNA position 3153, A replaced by C.
Protein change: p.Ser1051=; no amino-acid change (serine 1051 retained).
Molecular consequence: synonymous variant.
Genome position (GRCh38, 1-based): chr12:121,817,545, A>C. VCF-style: chr12-121817545-A-C. GRCh37 (hg19) VCF-style: chr12-122255451-A-C.
Identifiers: ClinVar variation 3026855 (VCV003026855.22), dbSNP rs1184797304, ClinGen allele CA2740097595.